The following is an entry in ClinVar:

ClinVar aggregate classification (germline): Likely benign. Review status: criteria provided, multiple submitters, no conflicts (2 of 4 stars). 2 submissions from 2 submitters: Likely benign (2). Last evaluated 2026-07-13.

Conditions:
MYO15A-related disorder. Also called: MYO15A-related condition.

Allele frequency attached by ClinVar (database versions not stated): TOPMed 0.00005; gnomAD exomes 0.00006; gnomAD 0.00007; ESP Exome Variant Server 0.00008; ExAC 0.00014.
gnomAD v4.1: 102 of 1,601,074 alleles (0.0064%); highest among the groups gnomAD compares: Admixed American, 0.017%; no homozygotes.

Submissions (2):

PreventionGenetics, part of Exact Sciences
Classification: Likely benign for MYO15A-related condition. Last evaluated: 2026-07-13. Review status: criteria provided, single submitter. Criteria: ACMG Guidelines, 2015. Collection method: clinical testing. Allele origin: germline.
Comment: This variant is classified as likely benign based on ACMG/AMP sequence variant interpretation guidelines (Richards et al. 2015 PMID: 25741868, with internal and published modifications).

Labcorp Genetics (formerly Invitae), Labcorp
Classification: Likely benign. Last evaluated: 2023-12-01. Review status: criteria provided, single submitter. Criteria: Invitae Variant Classification Sherloc (09022015). Collection method: clinical testing. Allele origin: germline.

NM_016239.4(MYO15A):c.6786C>T (p.Arg2262=)

Gene: MYO15A (myosin XVA; plus strand). Cytogenetic location: 17p11.2.
Variant type: single nucleotide variant.
Coding change: c.6786C>T on transcript NM_016239.4 (MANE Select); coding-DNA position 6786, C replaced by T.
Protein change: p.Arg2262=; no amino-acid change (arginine 2262 retained).
Molecular consequence: synonymous variant.
Genome position (GRCh38, 1-based): chr17:18,148,782, C>T. VCF-style: chr17-18148782-C-T. GRCh37 (hg19) VCF-style: chr17-18052096-C-T.
Other names: c.6786C>T (NM_016239.3).
Identifiers: ClinVar variation 3004626 (VCV003004626.4), dbSNP rs372462304, ClinGen allele CA8424675.